The following is an entry in ClinVar:

ClinVar aggregate classification (germline): Conflicting classifications of pathogenicity. Review status: criteria provided, conflicting classifications (1 of 4 stars). 2 submissions from 2 submitters: Uncertain significance (1); Benign (1). Last evaluated 2022-11-01.

Conditions:
EPILEPSY, CHILDHOOD ABSENCE, SUSCEPTIBILITY TO, 2 (ECA2). Identifiers: Orphanet 64280, MedGen C1843244, OMIM 607681.

Allele frequency attached by ClinVar (database versions not stated): TOPMed 0.00025; gnomAD 0.00032 and 0.00035; gnomAD exomes 0.00041.
gnomAD v4.1: 187 of 489,704 alleles (0.038%); highest among the groups gnomAD compares: Non-Finnish European, 0.048%; 1 homozygote.

Submissions (2):

CeGaT Center for Human Genetics Tuebingen
Classification: Benign. Last evaluated: 2022-11-01. Review status: criteria provided, single submitter. Criteria: CeGaT Center For Human Genetics Tuebingen Variant Classification Criteria Version 2. Collection method: clinical testing. Allele origin: germline. Affected: yes. Observed: 1 variant allele.
Comment: GABRG2: BS1, BS2

Illumina Laboratory Services, Illumina
Classification: Uncertain significance for Febrile seizures, familial, 8. Last evaluated: 2017-04-27. Review status: criteria provided, single submitter. Criteria: ICSL Variant Classification Criteria 13 December 2019. Collection method: clinical testing. Allele origin: germline.

NM_198904.4(GABRG2):c.*296G>T

Gene: GABRG2 (gamma-aminobutyric acid type A receptor subunit gamma2; plus strand). Cytogenetic location: 5q34.
Variant type: single nucleotide variant.
Coding change: c.*296G>T on transcript NM_198904.4 (MANE Select); 296 bases downstream of the stop codon, G replaced by T.
Molecular consequence: 3 prime UTR variant.
Genome position (GRCh38, 1-based): chr5:162,153,664, G>T. VCF-style: chr5-162153664-G-T. GRCh37 (hg19) VCF-style: chr5-161580670-G-T.
Other names: c.*296G>T (NM_000816.3, NM_001375339.1, NM_001375341.1 and 10 more transcripts); c.*558G>T (NM_001375340.1).
Identifiers: ClinVar variation 905225 (VCV000905225.28), dbSNP rs1025917717, ClinGen allele CA131117703.